The following is an entry in ClinVar:

ClinVar aggregate classification (germline): Pathogenic. Review status: criteria provided, single submitter (1 of 4 stars). 2 submissions from 2 submitters: Pathogenic (1). 1 of the submissions does not count toward it. Last evaluated 2024-11-15.

Conditions:
Hereditary fructosuria. Also called: Hereditary fructose intolerance; ALDOB DEFICIENCY; ALDOLASE B DEFICIENCY; FRUCTOSE-1,6-BISPHOSPHATE ALDOLASE B DEFICIENCY; FRUCTOSE-1-PHOSPHATE ALDOLASE DEFICIENCY; FRUCTOSEMIA. Identifiers: Orphanet 469, MedGen C0016751, MONDO:0009249, OMIM 229600, HP:0005973. Disease mechanism: loss of function.

Allele frequency attached by ClinVar (database versions not stated): TOPMed below 0.00001.

Submissions (2):

Natera, Inc.
Classification: Pathogenic for Fructose intolerance. Last evaluated: 2024-11-15. Review status: criteria provided, single submitter. Criteria: Natera Variant Classification Schema (03/2026). Collection method: clinical testing. Allele origin: germline.
Comment: The c.325-1G>A variant in ALDOB is a canonical splice acceptor site variant predicted to affect pre-mRNA splicing, which may result in an abnormal transcript and altered protein product. This variant is expected to result in nonsense mediated decay, truncation, or a dysfunctional protein product. This variant is rare in the general population with a frequency below the threshold expected for the associated phenotype(s). This variant has been observed in one or more individuals affected with the associated recessive disease, as either homozygous or compound heterozygous with a second variant (PMID: 29095814). Given the available evidence, this variant is classified as Pathogenic.

Counsyl
Classification: Likely pathogenic for Hereditary fructosuria. Last evaluated: 2018-04-25. Review status: no assertion criteria provided. Collection method: clinical testing. Allele origin: unknown. Not counted in ClinVar's aggregate classification.

Literature cited by the submitters: PubMed 29095814 (cited by Natera, Inc.).

NM_000035.4(ALDOB):c.325-1G>A

Gene: ALDOB (aldolase, fructose-bisphosphate B; minus strand). Cytogenetic location: 9q31.1.
Variant type: single nucleotide variant.
Coding change: c.325-1G>A on transcript NM_000035.4 (MANE Select); the canonical splice acceptor site of the intron before coding-DNA position 325, G replaced by A.
Molecular consequence: splice acceptor variant.
Genome position (GRCh38, 1-based): chr9:101,428,524, C>T on the plus strand (G>A on the coding strand, the complement: ALDOB is on the minus strand). VCF-style: chr9-101428524-C-T. GRCh37 (hg19) VCF-style: chr9-104190806-C-T.
Identifiers: ClinVar variation 558033 (VCV000558033.3), dbSNP rs1402966846, ClinGen allele CA374265614.